The following is an entry in ClinVar:

NM_000059.4(BRCA2):c.3958_3963del (p.Glu1320_Asp1321del)

Gene: BRCA2 (BRCA2 DNA repair associated; plus strand). Cytogenetic location: 13q13.1.
Variant type: Deletion.
Coding change: c.3958_3963del on transcript NM_000059.4 (MANE Select); coding-DNA positions 3958 to 3963, 6 bases deleted (GAAGAT; older notation c.3958_3963delGAAGAT).
Protein change: p.Glu1320_Asp1321del.
Molecular consequence: inframe deletion.
Genome position (GRCh38, 1-based): chr13:32,338,313-32,338,318, GAAGAT deleted; deleting any 6 consecutive bases within chr13:32,338,311-32,338,318 gives the same sequence; the c. name uses the placement nearest the transcript's 3' end. VCF-style (leftmost placement, unchanged base first): chr13-32338310-AATGAAG-A. GRCh37 (hg19) VCF-style: chr13-32912447-AATGAAG-A.
Identifiers: ClinVar variation 1696003 (VCV001696003.3), dbSNP rs2137501543, ClinGen allele CA2580087233.

ClinVar aggregate classification (germline): Uncertain significance. Review status: criteria provided, multiple submitters, no conflicts (2 of 4 stars). 2 submissions from 2 submitters: Uncertain significance (2). Last evaluated 2024-12-16.

Conditions:
Hereditary breast ovarian cancer syndrome. Also called: Hereditary breast and ovarian cancer syndrome; Breast and ovarian cancer; Hereditary breast and ovarian cancer; Hereditary breast and/or ovarian cancer syndrome; Hereditary breast and ovarian cancer syndrome (HBOC); BRCA1- and BRCA2-Associated Hereditary Breast and Ovarian Cancer. Identifiers: Orphanet 145, MedGen C0677776, MeSH D061325, MONDO:0003582. Disease mechanism: loss of function.

Submissions (2):

Labcorp Genetics (formerly Invitae), Labcorp
Classification: Uncertain significance for Hereditary breast ovarian cancer syndrome. Last evaluated: 2024-12-16. Review status: criteria provided, single submitter. Criteria: Invitae Variant Classification Sherloc (09022015). Collection method: clinical testing. Allele origin: germline.
Comment: This variant, c.3958_3963del, results in the deletion of 2 amino acid(s) of the BRCA2 protein (p.Glu1320_Asp1321del), but otherwise preserves the integrity of the reading frame. This variant is not present in population databases (gnomAD no frequency). This variant has not been reported in the literature in individuals affected with BRCA2-related conditions. ClinVar contains an entry for this variant (Variation ID: 1696003). Experimental studies and prediction algorithms are not available or were not evaluated, and the functional significance of this variant is currently unknown. In summary, the available evidence is currently insufficient to determine the role of this variant in disease. Therefore, it has been classified as a Variant of Uncertain Significance.

Women's Health and Genetics/Laboratory Corporation of America, LabCorp
Classification: Uncertain significance. Last evaluated: 2022-05-10. Review status: criteria provided, single submitter. Criteria: LabCorp Variant Classification Summary - May 2015. Collection method: clinical testing. Allele origin: germline.
Comment: Variant summary: BRCA2 c.3958_3963delGAAGAT (p.Glu1320_Asp1321del) results in an in-frame deletion that is predicted to remove 2 amino acids from the encoded protein. The variant was absent in 224038 control chromosomes. The available data on variant occurrences in the general population are insufficient to allow any conclusion about variant significance. To our knowledge, no occurrence of c.3958_3963delGAAGAT in individuals affected with Hereditary Breast And Ovarian Cancer Syndrome and no experimental evidence demonstrating its impact on protein function have been reported. No clinical diagnostic laboratories have submitted clinical-significance assessments for this variant to ClinVar after 2014. Based on the evidence outlined above, the variant was classified as uncertain significance.